The following is an entry in ClinVar:

ClinVar aggregate classification (germline): Benign. Review status: reviewed by expert panel (3 of 4 stars). 3 submissions from 3 submitters: Benign (1). 2 of the submissions do not count toward it. Last evaluated 2024-02-23.

Conditions:
Christianson syndrome (MRXSCH). Also called: X-linked mental retardation, syndromic, Christianson type; SLC9A6-Related Syndromic Mental Retardation; INTELLECTUAL DEVELOPMENTAL DISORDER, X-LINKED, SYNDROMIC, CHRISTIANSON TYPE. Identifiers: Orphanet 85278, MedGen C2678194, MONDO:0010278, OMIM 300243.

Submissions (3):

ClinGen Rett and Angelman-like Disorders Variant Curation Expert Panel
Classification: Benign for Christianson syndrome. Last evaluated: 2024-02-23. Review status: reviewed by expert panel. Criteria: ClinGen RettAS ACMG Specifications SLC9A6 V3.0.0. Collection method: curation. Allele origin: germline. Inheritance: X-linked inheritance.
Comment: The allele frequency of the c.-5del variant in SLC9A6 (NM_006359.2) is 0.02% in European (non-Finnish) sub population in gnomAD v2, which is high enough to meet the BS1 criteria based on thresholds defined by the ClinGen Rett/Angelman-like Expert Panel for Rett/AS-like conditions (BS1). Splice prediction analysis, using multiple computational tools does not suggest an impact to splicing (BP4). The c.-5del variant is observed in the hemizygous state in at least 2 unaffected individuals (internal database - GeneDx) (BS2). In sumarry, the c.-5del variant in SLC9A6 is classified as benign based on the ACMG/AMP criteria (BS1, BP4, BS2).

Women's Health and Genetics/Laboratory Corporation of America, LabCorp
Classification: Uncertain significance. Last evaluated: 2022-02-04. Review status: criteria provided, single submitter. Criteria: LabCorp Variant Classification Summary - May 2015. Collection method: clinical testing. Allele origin: germline. Not counted in ClinVar's aggregate classification.
Comment: Variant summary: SLC9A6 c.-5delG is located in the untranslated mRNA region upstream of the initiation codon (in transcript NM_006359.3). This variant doesn't alter the consensus Kozak sequence, which plays a role in the recognition of the AUG (START) codon. In addition, this variant is located to intron 1 in other alternative transcripts (e.g. in NM_001177651.2 and NM_001379110.1), and results in a change that can be described as: c.-57+21delG, therefore could affect splicing: 4/4 computational tools predict no significant impact on normal splicing. However, these predictions have yet to be confirmed by functional studies. The variant allele was found at a frequency of 8.1e-05 in 37084 control chromosomes. The available data on variant occurrences in the general population are insufficient to allow any conclusion about variant significance. To our knowledge, no occurrence of c.-5delG in individuals affected with Christianson Syndrome and no experimental evidence demonstrating its impact on protein function have been reported. One clinical diagnostic laboratory has submitted clinical-significance assessments for this variant to ClinVar after 2014 without evidence for independent evaluation, and likely benign. Based on the evidence outlined above, the variant was classified as VUS-possibly benign.

GeneDx
Classification: Likely benign. Last evaluated: 2020-08-04. Review status: criteria provided, single submitter. Criteria: GeneDx Variant Classification Process June 2021. Collection method: clinical testing. Allele origin: germline. Affected: yes. Not counted in ClinVar's aggregate classification.

NM_001379110.1(SLC9A6):c.-57+21del

Genes: SLC9A6 (solute carrier family 9 member A6; plus strand), LOC130068746 (ATAC-STARR-seq lymphoblastoid silent region 21025; plus strand). Cytogenetic location: Xq26.3.
Variant type: Deletion.
Coding change: c.-57+21del on transcript NM_001379110.1 (MANE Select); 21 bases into the intron after 57 bases upstream of the start codon, one base deleted (G; older notation c.-57+21delG).
Molecular consequence: intron variant. On other transcripts: 5 prime UTR variant (2).
Genome position (GRCh38, 1-based): chrX:135,985,498, G deleted; the last of 6 consecutive G bases (chrX:135,985,493-135,985,498); deleting any one gives the same sequence. VCF-style (leftmost placement, unchanged base first): chrX-135985492-CG-C. GRCh37 (hg19) VCF-style: chrX-135067651-CG-C.
Other names: c.-5del (NM_001042537.2, NM_006359.3); c.-57+21del (NM_001177651.2); c.-57+26del (NM_001330652.2).
Identifiers: ClinVar variation 422694 (VCV000422694.4), dbSNP rs782431608, ClinGen allele CA16621203.